The following is an entry in ClinVar:

ClinVar aggregate classification (germline): Likely pathogenic (1 of 4 stars; one submission).

Conditions:
Rare genetic deafness. Identifiers: Orphanet 96210, MedGen C5680250.

Submission:

Laboratory for Molecular Medicine, Mass General Brigham Personalized Medicine
Classification: Likely pathogenic for Rare genetic deafness. Last evaluated: 2016-05-04. Review status: criteria provided, single submitter. Criteria: LMM Criteria. Collection method: clinical testing. Allele origin: germline. Inheritance: Autosomal dominant inheritance. Observed: 4 variant alleles.
Comment: This vari ant was absent from large population studies. Computational prediction tools and conservation analyses suggest that the p.Glu461Asp variant may impact the prote in, though this information is not predictive enough to determine pathogenicity. In summary, although additional studies are required to fully establish its cli nical significance, this variant is likely pathogenic for autosomal dominant hea ring loss.

NM_004999.4(MYO6):c.1383G>C (p.Glu461Asp)

Gene: MYO6 (myosin VI; plus strand). Cytogenetic location: 6q14.1.
Variant type: single nucleotide variant.
Coding change: c.1383G>C on transcript NM_004999.4 (MANE Select); coding-DNA position 1383, G replaced by C.
Protein change: p.Glu461Asp; replaces glutamic acid 461 with aspartic acid.
Molecular consequence: missense variant. On other transcripts: non-coding transcript variant (1).
Genome position (GRCh38, 1-based): chr6:75,858,903, G>C. VCF-style: chr6-75858903-G-C. GRCh37 (hg19) VCF-style: chr6-76568620-G-C.
Other names: c.1383G>C, p.Glu461Asp (NM_001300899.2, NM_001368136.1, NM_001368137.1 and 2 more transcripts); c.1368G>C, p.Glu456Asp (NM_001368138.1); short protein forms E461D, E456D.
Identifiers: ClinVar variation 178931 (VCV000178931.4), dbSNP rs727504548, ClinGen allele CA183339.